The following is an entry in ClinVar:

ClinVar aggregate classification (germline): Uncertain significance (1 of 4 stars; one submission).

Conditions:
Neutropenia, severe congenital, 1, autosomal dominant. Identifiers: MedGen C1859966, MONDO:0042490, OMIM 202700.
Cyclical neutropenia. Also called: Cyclic hematopoiesis; Cyclic Neutropenia. Identifiers: Orphanet 2686, MedGen C0221023, MONDO:0008090, OMIM 162800, HP:0040289. Disease mechanism: loss of function.

Submission:

Labcorp Genetics (formerly Invitae), Labcorp
Classification: Uncertain significance for Neutropenia, severe congenital, 1, autosomal dominant; Cyclical neutropenia. Last evaluated: 2023-07-28. Review status: criteria provided, single submitter. Criteria: Invitae Variant Classification Sherloc (09022015). Collection method: clinical testing. Allele origin: germline.
Comment: In summary, the available evidence is currently insufficient to determine the role of this variant in disease. Therefore, it has been classified as a Variant of Uncertain Significance. This variant has not been reported in the literature in individuals affected with ELANE-related conditions. This variant is not present in population databases (gnomAD no frequency). This sequence change creates a premature translational stop signal (p.Pro42Thrfs*47) in the ELANE gene. It is expected to result in an absent or disrupted protein product. However, the current clinical and genetic evidence is not sufficient to establish whether loss-of-function variants in ELANE cause disease.

NM_001972.4(ELANE):c.123_124insA (p.Pro42fs)

Gene: ELANE (elastase, neutrophil expressed; plus strand). Cytogenetic location: 19p13.3.
Variant type: Insertion.
Coding change: c.123_124insA on transcript NM_001972.4 (MANE Select); coding-DNA positions 123 to 124, A inserted.
Protein change: p.Pro42fs; shifts the reading frame from proline 42.
Molecular consequence: frameshift variant.
Genome position: GRCh38 VCF-style: chr19-852931-G-GA. GRCh37 (hg19) VCF-style: chr19-852931-G-GA.
Other names: short protein forms P42fs.
Identifiers: ClinVar variation 2950424 (VCV002950424.3), dbSNP rs2512164482, ClinGen allele CA2740091830.